The following is an entry in ClinVar:

ClinVar aggregate classification (germline): Conflicting classifications of pathogenicity. Review status: criteria provided, conflicting classifications (1 of 4 stars). 4 submissions from 3 submitters: Uncertain significance (1); Benign (2); Likely benign (1). Last evaluated 2025-03-11.

Conditions:
Blau syndrome (BLAUS). Also called: GRANULOMATOSIS, FAMILIAL JUVENILE SYSTEMIC; GRANULOMATOSIS, FAMILIAL, BLAU TYPE; GRANULOMATOUS INFLAMMATORY ARTHRITIS, DERMATITIS, AND UVEITIS, FAMILIAL; JABS SYNDROME; ARTHROCUTANEOUVEAL GRANULOMATOSIS. Identifiers: Orphanet 90340, MedGen C5201146, MONDO:0008523, OMIM 186580.
Regional enteritis. Also called: Enteritis, Granulomatous. Identifiers: MedGen C0678202, MeSH D003424.
Inflammatory bowel disease 1 (IBD1). Also called: INFLAMMATORY BOWEL DISEASE (CROHN DISEASE) 1; Inflammatory bowel disease 1, Crohn disease. Identifiers: MedGen CN260071, MONDO:0009960, OMIM 266600.

Allele frequency attached by ClinVar (database versions not stated): TOPMed 0.00002; gnomAD exomes 0.00016; ExAC 0.00017.
gnomAD v4.1: 144 of 1,606,262 alleles (0.009%); highest among the groups gnomAD compares: South Asian, 0.083%; no homozygotes.

Submissions (4):

Labcorp Genetics (formerly Invitae), Labcorp
Classification: Benign for Regional enteritis; Blau syndrome. Last evaluated: 2025-03-11. Review status: criteria provided, single submitter. Criteria: Invitae Variant Classification Sherloc (09022015). Collection method: clinical testing. Allele origin: germline.

Blueprint Genetics
Classification: Likely benign. Last evaluated: 2024-11-21. Review status: criteria provided, single submitter. Criteria: ACMG Guidelines, 2015. Collection method: clinical testing. Allele origin: germline.

Illumina Laboratory Services, Illumina
Classification: Benign for Blau syndrome. Last evaluated: 2018-01-13. Review status: criteria provided, single submitter. Criteria: ICSL Variant Classification Criteria 13 December 2019. Collection method: clinical testing. Allele origin: germline.
Comment: This variant was observed in the ICSL laboratory as part of a predisposition screen in an ostensibly healthy population. It had not been previously curated by ICSL or reported in the Human Gene Mutation Database (HGMD: prior to June 1st, 2018), and was therefore a candidate for classification through an automated scoring system. Utilizing variant allele frequency, disease prevalence and penetrance estimates, and inheritance mode, an automated score was calculated to assess if this variant is too frequent to cause the disease. Based on the score and internal cut-off values, a variant classified as benign is not then subjected to further curation. The score for this variant resulted in a classification of benign for this disease.

Illumina Laboratory Services, Illumina
Classification: Uncertain significance for Inflammatory bowel disease 1. Last evaluated: 2018-01-13. Review status: criteria provided, single submitter. Criteria: ICSL Variant Classification Criteria 13 December 2019. Collection method: clinical testing. Allele origin: germline.

NM_001370466.1(NOD2):c.450G>A (p.Pro150=)

Gene: NOD2 (nucleotide binding oligomerization domain containing 2; plus strand). Cytogenetic location: 16q12.1.
Variant type: single nucleotide variant.
Coding change: c.450G>A on transcript NM_001370466.1 (MANE Select); coding-DNA position 450, G replaced by A.
Protein change: p.Pro150=; no amino-acid change (proline 150 retained).
Molecular consequence: synonymous variant. On other transcripts: non-coding transcript variant (1).
Genome position (GRCh38, 1-based): chr16:50,699,945, G>A. VCF-style: chr16-50699945-G-A. GRCh37 (hg19) VCF-style: chr16-50733856-G-A.
Other names: c.531G>A (LRG_177t1); c.450G>A, p.Pro150= (NM_001293557.2); c.531G>A, p.Pro177= (NM_022162.3).
Identifiers: ClinVar variation 319428 (VCV000319428.16), dbSNP rs775281342, ClinGen allele CA8051299.
Genomic context (GRCh38, chr16:50,699,945, plus strand): 5'-GGAGCGGGGTTTCGTCAGCCAGTATGAATGTGATGAAATCAGGTTGCCGATCTTCACACC[G>A]TCCCAGAGGGTGAGGCACTCCTGGTGTGCATCACAGAGTTCTCAGGAAAGGGGTGCTTAG-3'
Protein context (NP_001357395.1, residues 140-160): CDEIRLPIFT[Pro150=]SQRARRLLDL